The following is an entry in ClinVar:

ClinVar aggregate classification (germline): Uncertain significance. Review status: criteria provided, single submitter (1 of 4 stars). 2 submissions from 2 submitters: Uncertain significance (1). 1 of the submissions does not count toward it. Last evaluated 2024-11-18.

Conditions:
3-Methylglutaconic aciduria type 3 (MGCA3). Also called: Costeff Syndrome; OPA3, AUTOSOMAL RECESSIVE; OPTIC ATROPHY 3, AUTOSOMAL RECESSIVE; OPA3-Related 3-Methylglutaconic Aciduria. Identifiers: Orphanet 67047, MedGen C0574084, MONDO:0009787, OMIM 258501.
Optic atrophy 3 (OPA3). Also called: Optic atrophy, cataract, and neurologic disorder; OPTIC ATROPHY 3, AUTOSOMAL DOMINANT; Optic atrophy 3 with cataract. Identifiers: Orphanet 67036, MedGen C1833809, MONDO:0008133, OMIM 165300.

Allele frequency attached by ClinVar (database versions not stated): gnomAD exomes below 0.00001 and 0.00001; TOPMed below 0.00001; ExAC 0.00002.

Submissions (2):

Labcorp Genetics (formerly Invitae), Labcorp
Classification: Uncertain significance for 3-Methylglutaconic aciduria type 3; Optic atrophy 3. Last evaluated: 2024-11-18. Review status: criteria provided, single submitter. Criteria: Invitae Variant Classification Sherloc (09022015). Collection method: clinical testing. Allele origin: germline.
Comment: This sequence change replaces leucine, which is neutral and non-polar, with phenylalanine, which is neutral and non-polar, at codon 163 of the OPA3 protein (p.Leu163Phe). This variant is present in population databases (rs780492515, gnomAD 0.006%). This variant has not been reported in the literature in individuals affected with OPA3-related conditions. ClinVar contains an entry for this variant (Variation ID: 556177). An algorithm developed to predict the effect of missense changes on protein structure and function (PolyPhen-2) suggests that this variant is likely to be disruptive. In summary, the available evidence is currently insufficient to determine the role of this variant in disease. Therefore, it has been classified as a Variant of Uncertain Significance.

Counsyl
Classification: Uncertain significance for 3-Methylglutaconic aciduria type 3. Last evaluated: 2018-01-16. Review status: no assertion criteria provided. Collection method: clinical testing. Allele origin: unknown. Not counted in ClinVar's aggregate classification.

Literature cited by the submitters: PubMed 28081242 (cited by Counsyl).

NM_025136.4(OPA3):c.487C>T (p.Leu163Phe)

Genes: OPA3 (outer mitochondrial membrane lipid metabolism regulator OPA3; minus strand), OPA3-RTN2 (OPA3-RTN2 readthrough; minus strand). Cytogenetic location: 19q13.32.
Variant type: single nucleotide variant.
Coding change: c.487C>T on transcript NM_025136.4 (MANE Select); coding-DNA position 487, C replaced by T.
Protein change: p.Leu163Phe; replaces leucine 163 with phenylalanine.
Molecular consequence: missense variant. On other transcripts: intron variant (1).
Genome position (GRCh38, 1-based): chr19:45,553,567, G>A on the plus strand (C>T on the coding strand, the complement: OPA3 is on the minus strand). VCF-style: chr19-45553567-G-A. GRCh37 (hg19) VCF-style: chr19-46056825-G-A.
Other names: c.143-24111C>T (NM_001017989.3); short protein forms L163F.
Identifiers: ClinVar variation 556177 (VCV000556177.6), dbSNP rs780492515, ClinGen allele CA9517381.